The following is an entry in ClinVar:

NM_000719.7(CACNA1C):c.3606C>G (p.Tyr1202Ter)

Gene: CACNA1C (calcium voltage-gated channel subunit alpha1 C; plus strand). Cytogenetic location: 12p13.33.
Variant type: single nucleotide variant.
Coding change: c.3606C>G on transcript NM_000719.7 (MANE Select); coding-DNA position 3606, C replaced by G.
Protein change: p.Tyr1202Ter; replaces tyrosine 1202 with a stop codon.
Molecular consequence: nonsense.
Genome position (GRCh38, 1-based): chr12:2,610,588, C>G. VCF-style: chr12-2610588-C-G. GRCh37 (hg19) VCF-style: chr12-2719754-C-G.
Other names: c.3666C>G, p.Tyr1222Ter (NM_001129827.2, NM_001129832.2, NM_199460.4); c.3606C>G, p.Tyr1202Ter (NM_001129829.2, NM_001129830.3, NM_001129831.2 and 15 more transcripts); c.3597C>G, p.Tyr1199Ter (NM_001129844.2); short protein forms Y1199*, Y1202*, Y1222*.
Identifiers: ClinVar variation 1695801 (VCV001695801.3), dbSNP rs895560697, ClinGen allele CA383376621.

ClinVar aggregate classification (germline): Pathogenic (1 of 4 stars; one submission).

Submission:

GeneDx
Classification: Pathogenic. Last evaluated: 2024-01-18. Review status: criteria provided, single submitter. Criteria: GeneDx Variant Classification Process June 2021. Collection method: clinical testing. Allele origin: germline. Affected: yes.
Comment: Nonsense variant predicted to result in protein truncation or nonsense mediated decay in a gene for which loss of function is a known mechanism of disease; Not observed at significant frequency in large population cohorts (gnomAD); Has not been previously published as pathogenic or benign to our knowledge